The following is an entry in ClinVar:

ClinVar aggregate classification (germline): Uncertain significance (1 of 4 stars; one submission).

Submission:

Labcorp Genetics (formerly Invitae), Labcorp
Classification: Uncertain significance. Last evaluated: 2023-03-13. Review status: criteria provided, single submitter. Criteria: Invitae Variant Classification Sherloc (09022015). Collection method: clinical testing. Allele origin: germline.
Comment: In summary, the available evidence is currently insufficient to determine the role of this variant in disease. Therefore, it has been classified as a Variant of Uncertain Significance. Algorithms developed to predict the effect of missense changes on protein structure and function output the following: SIFT: "Not Available"; PolyPhen-2: "Benign"; Align-GVGD: "Not Available". The arginine amino acid residue is found in multiple mammalian species, which suggests that this missense change does not adversely affect protein function. This variant has not been reported in the literature in individuals affected with SPP2-related conditions. This variant is not present in population databases (gnomAD no frequency). This sequence change replaces glutamine, which is neutral and polar, with arginine, which is basic and polar, at codon 177 of the SPP2 protein (p.Gln177Arg).

NM_006944.3(SPP2):c.530A>G (p.Gln177Arg)

Gene: SPP2 (secreted phosphoprotein 2; plus strand). Cytogenetic location: 2q37.1.
Variant type: single nucleotide variant.
Coding change: c.530A>G on transcript NM_006944.3 (MANE Select); coding-DNA position 530, A replaced by G.
Protein change: p.Gln177Arg; replaces glutamine 177 with arginine.
Molecular consequence: missense variant.
Genome position (GRCh38, 1-based): chr2:234,067,254, A>G. VCF-style: chr2-234067254-A-G. GRCh37 (hg19) VCF-style: chr2-234975898-A-G.
Other names: short protein forms Q177R.
Identifiers: ClinVar variation 2839981 (VCV002839981.3), dbSNP rs2470264699, ClinGen allele CA351105268.